The following is an entry in ClinVar:

NM_015027.4(PDXDC1):c.1938C>T (p.Ser646=)

Gene: PDXDC1 (pyridoxal dependent decarboxylase domain containing 1). Cytogenetic location: 16p13.11.
Variant type: single nucleotide variant.
Coding change: c.1938C>T on transcript NM_015027.4 (MANE Select); coding-DNA position 1938, C replaced by T.
Protein change: p.Ser646=; no amino-acid change (serine 646 retained).
Molecular consequence: synonymous variant. On other transcripts: intron variant (3).
Genome position (GRCh38, 1-based): chr16:15,034,489, C>T. VCF-style: chr16-15034489-C-T. GRCh37 (hg19) VCF-style: chr16-15128346-C-T.
Other names: c.1857C>T, p.Ser619= (NM_001285444.2); c.1854C>T, p.Ser618= (NM_001285445.2); c.1893C>T, p.Ser631= (NM_001285447.1); c.1665C>T, p.Ser555= (NM_001285448.1); c.1935C>T, p.Ser645= (NM_001324019.2); c.1399+4433C>T (NM_001285449.2); c.1318+4433C>T (NM_001324021.2); c.1396+4433C>T (NM_001324020.2).
Identifiers: ClinVar variation 3042864 (VCV003042864.2), dbSNP rs756591425, ClinGen allele CA7915539.
Genomic context (GRCh38, chr16:15,034,489, plus strand): 5'-GGCCCTGAACTCTGGTCCTGTCTTGCAGGGGGTGTTGCGGCAGATCCCTGTAGTGGGCTC[C>T]GTGCTGAATTGGTTTTCTCCGGTCCAGGCTTTACAGAAGGGAAGAACTTTTAACTTGACA-3'
Protein context (NP_055842.2, residues 636-656): GVLRQIPVVG[Ser646=]VLNWFSPVQA

ClinVar aggregate classification (germline): Likely benign (0 of 4 stars; one submission).

Conditions:
PDXDC1-related disorder. Also called: PDXDC1-related condition.

Allele frequency attached by ClinVar (database versions not stated): gnomAD 0.00001; ExAC 0.00004; TOPMed 0.00004; gnomAD exomes 0.00008.
gnomAD v4.1: 125 of 1,614,020 alleles (0.0077%); highest among the groups gnomAD compares: Non-Finnish European, 0.0094%; no homozygotes.

Submission:

PreventionGenetics, part of Exact Sciences
Classification: Likely benign for PDXDC1-related condition. Last evaluated: 2019-06-19. Review status: no assertion criteria provided. Collection method: clinical testing. Allele origin: germline.
Comment: This variant is classified as likely benign based on ACMG/AMP sequence variant interpretation guidelines (Richards et al. 2015 PMID: 25741868, with internal and published modifications).